The following is an entry in ClinVar:

ClinVar aggregate classification (germline): Uncertain significance (1 of 4 stars; one submission).

Allele frequency attached by ClinVar (database versions not stated): ExAC 0.00001; gnomAD exomes 0.00002; gnomAD 0.00003; TOPMed 0.00004; ESP Exome Variant Server 0.00008.
gnomAD v4.1: 44 of 1,612,836 alleles (0.0027%); highest among the groups gnomAD compares: Non-Finnish European, 0.0032%; no homozygotes.

Submission:

CeGaT Center for Human Genetics Tuebingen
Classification: Uncertain significance. Last evaluated: 2026-06-01. Review status: criteria provided, single submitter. Criteria: CeGaT Center For Human Genetics Tuebingen Variant Classification Criteria Version 2. Collection method: clinical testing. Allele origin: germline. Affected: yes. Observed: 2 variant alleles.
Comment: DST: PM2, PP3

NM_001374736.1(DST):c.6302T>C (p.Leu2101Pro)

Gene: DST (dystonin; minus strand). Cytogenetic location: 6p12.1.
Variant type: single nucleotide variant.
Coding change: c.6302T>C on transcript NM_001374736.1 (MANE Select); coding-DNA position 6302, T replaced by C.
Protein change: p.Leu2101Pro; replaces leucine 2101 with proline.
Molecular consequence: missense variant. On other transcripts: intron variant (6).
Genome position (GRCh38, 1-based): chr6:56,608,326, A>G on the plus strand (T>C on the coding strand, the complement: DST is on the minus strand). VCF-style: chr6-56608326-A-G. GRCh37 (hg19) VCF-style: chr6-56473124-A-G.
Other names: c.5184+2101T>C (NM_001144769.5); c.4770+2101T>C (NM_001144770.2); c.4650+2101T>C (NM_001374730.1, NM_001386100.1, NM_183380.4); c.3672+2101T>C (NM_015548.5); c.6302T>C, p.Leu2101Pro (NM_001374722.1); c.5669T>C, p.Leu1890Pro (NM_001374729.1); c.6329T>C, p.Leu2110Pro (NM_001374734.1); short protein forms L1890P, L2101P, L2110P.
Identifiers: ClinVar variation 2499014 (VCV002499014.28), dbSNP rs376541194, ClinGen allele CA3869571.